The following is an entry in ClinVar:

ClinVar aggregate classification (germline): Uncertain significance. Review status: criteria provided, multiple submitters, no conflicts (2 of 4 stars). 2 submissions from 2 submitters: Uncertain significance (2). Last evaluated 2021-03-04.

Conditions:
Vitelliform macular dystrophy 4. Identifiers: Orphanet 99000, MedGen C4015342, MONDO:0014508, OMIM 616151.
Vitelliform macular dystrophy 1 (VMD1). Identifiers: Orphanet 99000, MedGen C4551953, MONDO:0007933, OMIM 153840.

Allele frequency attached by ClinVar (database versions not stated): gnomAD exomes below 0.00001.
gnomAD v4.1: 1 of 1,613,916 alleles (0.000062%); highest among the groups gnomAD compares: East Asian, 0.0022%; no homozygotes.

Submissions (2):

Labcorp Genetics (formerly Invitae), Labcorp
Classification: Uncertain significance. Last evaluated: 2021-03-04. Review status: criteria provided, single submitter. Criteria: Invitae Variant Classification Sherloc (09022015). Collection method: clinical testing. Allele origin: germline.
Comment: This sequence change replaces methionine with threonine at codon 584 of the IMPG1 protein (p.Met584Thr). The methionine residue is moderately conserved and there is a moderate physicochemical difference between methionine and threonine. In summary, the available evidence is currently insufficient to determine the role of this variant in disease. Therefore, it has been classified as a Variant of Uncertain Significance. Algorithms developed to predict the effect of missense changes on protein structure and function (SIFT, PolyPhen-2, Align-GVGD) all suggest that this variant is likely to be disruptive, but these predictions have not been confirmed by published functional studies and their clinical significance is uncertain. This variant has not been reported in the literature in individuals with IMPG1-related conditions. This variant is not present in population databases (ExAC no frequency).

Baylor Genetics
Classification: Uncertain significance for Vitelliform macular dystrophy 4. Last evaluated: 2019-03-28. Review status: criteria provided, single submitter. Criteria: ACMG Guidelines, 2015. Collection method: clinical testing. Allele origin: unknown. Affected: yes.
Comment: This variant was determined to be of uncertain significance according to ACMG Guidelines, 2015 [PMID:25741868].

NM_001563.4(IMPG1):c.1751T>C (p.Met584Thr)

Gene: IMPG1 (interphotoreceptor matrix proteoglycan 1; minus strand). Cytogenetic location: 6q14.1.
Variant type: single nucleotide variant.
Coding change: c.1751T>C on transcript NM_001563.4 (MANE Select); coding-DNA position 1751, T replaced by C.
Protein change: p.Met584Thr; replaces methionine 584 with threonine.
Molecular consequence: missense variant.
Genome position (GRCh38, 1-based): chr6:75,950,635, A>G on the plus strand (T>C on the coding strand, the complement: IMPG1 is on the minus strand). VCF-style: chr6-75950635-A-G. GRCh37 (hg19) VCF-style: chr6-76660352-A-G.
Other names: c.1751T>C (NM_001563.3); c.1517T>C, p.Met506Thr (NM_001282368.2); short protein forms M506T, M584T.
Identifiers: ClinVar variation 1027943 (VCV001027943.10), dbSNP rs1782008139, ClinGen allele CA364776860.
Genomic context (GRCh38, chr6:75,950,635, plus strand): 5'-TGTTGCTCCAGAGCTCGGTACTCCAGAGAGCTCTTGTTGAACAGGTCGTTGGAGAAGGCC[A>G]TGTTAGCAACACGCAGACTGAAGAACACTACCAGCTCTCGGCCCTTGGGGGCAATGGTCA-3'
Protein context (NP_001554.2, residues 574-594): VVFFSLRVAN[Met584Thr]AFSNDLFNKS